The following is an entry in ClinVar:

ClinVar aggregate classification (germline): Uncertain significance (1 of 4 stars; one submission).

Conditions:
Cardiovascular phenotype. Identifiers: MedGen CN230736.

Submission:

Ambry Genetics
Classification: Uncertain significance for Cardiovascular phenotype. Last evaluated: 2019-11-26. Review status: criteria provided, single submitter. Criteria: Ambry Variant Classification Scheme 2023. Collection method: clinical testing. Allele origin: germline.
Comment: The p.F24703C variant (also known as c.74108T>G), located in coding exon 185 of the TTN gene, results from a T to G substitution at nucleotide position 74108. The phenylalanine at codon 24703 is replaced by cysteine, an amino acid with highly dissimilar properties. This amino acid position is highly conserved in available vertebrate species. In addition, this alteration is predicted to be tolerated by in silico analysis. Since supporting evidence is limited at this time, the clinical significance of this alteration remains unclear.

NM_001267550.2(TTN):c.101303T>G (p.Phe33768Cys)

Genes: TTN (titin; minus strand), TTN-AS1 (TTN antisense RNA 1; plus strand). Cytogenetic location: 2q31.2.
Variant type: single nucleotide variant.
Coding change: c.101303T>G on transcript NM_001267550.2 (MANE Select); coding-DNA position 101303, T replaced by G.
Protein change: p.Phe33768Cys; replaces phenylalanine 33768 with cysteine.
Molecular consequence: missense variant.
Genome position (GRCh38, 1-based): chr2:178,535,312, A>C on the plus strand (T>G on the coding strand, the complement: TTN is on the minus strand). VCF-style: chr2-178535312-A-C. GRCh37 (hg19) VCF-style: chr2-179400039-A-C.
Other names: c.96380T>G, p.Phe32127Cys (NM_001256850.1); c.74108T>G, p.Phe24703Cys (NM_003319.4); c.93599T>G, p.Phe31200Cys (NM_133378.4); c.74483T>G, p.Phe24828Cys (NM_133432.3); c.74684T>G, p.Phe24895Cys (NM_133437.4); short protein forms F24703C, F24828C, F33768C, F24895C, F31200C, F32127C.
Identifiers: ClinVar variation 1758789 (VCV001758789.2), dbSNP rs2468570709, ClinGen allele CA349421007.